The following is an entry in ClinVar:

ClinVar aggregate classification (germline): Conflicting classifications of pathogenicity. Review status: criteria provided, conflicting classifications (1 of 4 stars). 2 submissions from 2 submitters: Uncertain significance (1); Benign (1). Last evaluated 2024-10-30.

Conditions:
Hereditary cancer-predisposing syndrome. Also called: Tumor predisposition; Hereditary neoplastic syndrome; Hereditary Cancer Syndrome; Neoplastic Syndromes, Hereditary. Identifiers: Orphanet 140162, MedGen C0027672, MeSH D009386, MONDO:0015356.
Gastrointestinal stromal tumor. Also called: Gastrointestinal stroma tumor; Gastrointestinal stromal tumor, somatic. Identifiers: Orphanet 44890, MedGen C0238198, MeSH D046152, MONDO:0011719, OMIM 606764, HP:0100723.

Allele frequency attached by ClinVar (database versions not stated): gnomAD below 0.00001 and 0.00001; TOPMed below 0.00001; gnomAD exomes 0.00001 and 0.00003; ExAC 0.00002.
gnomAD v4.1: 18 of 1,610,642 alleles (0.0011%); highest among the groups gnomAD compares: South Asian, 0.014%; no homozygotes.

Submissions (2):

Labcorp Genetics (formerly Invitae), Labcorp
Classification: Uncertain significance for Gastrointestinal stromal tumor. Last evaluated: 2024-10-30. Review status: criteria provided, single submitter. Criteria: Invitae Variant Classification Sherloc (09022015). Collection method: clinical testing. Allele origin: germline.
Comment: This sequence change replaces alanine, which is neutral and non-polar, with threonine, which is neutral and polar, at codon 401 of the KIT protein (p.Ala401Thr). This variant is present in population databases (rs778615486, gnomAD 0.02%). This variant has not been reported in the literature in individuals affected with KIT-related conditions. ClinVar contains an entry for this variant (Variation ID: 528525). An algorithm developed to predict the effect of missense changes on protein structure and function (PolyPhen-2) suggests that this variant is likely to be tolerated. In summary, the available evidence is currently insufficient to determine the role of this variant in disease. Therefore, it has been classified as a Variant of Uncertain Significance.

Ambry Genetics
Classification: Benign for Hereditary cancer-predisposing syndrome. Last evaluated: 2024-10-28. Review status: criteria provided, single submitter. Criteria: Ambry Variant Classification Scheme 2023. Collection method: clinical testing. Allele origin: germline.

NM_000222.3(KIT):c.1201G>A (p.Ala401Thr)

Gene: KIT (KIT proto-oncogene, receptor tyrosine kinase; plus strand). Cytogenetic location: 4q12.
Variant type: single nucleotide variant.
Coding change: c.1201G>A on transcript NM_000222.3 (MANE Select); coding-DNA position 1201, G replaced by A.
Protein change: p.Ala401Thr; replaces alanine 401 with threonine.
Molecular consequence: missense variant.
Genome position (GRCh38, 1-based): chr4:54,709,509, G>A. VCF-style: chr4-54709509-G-A. GRCh37 (hg19) VCF-style: chr4-55575675-G-A.
Other names: c.1201G>A, p.Ala401Thr (NM_001093772.2, NM_001385285.1, NM_001385286.1); c.1204G>A, p.Ala402Thr (NM_001385284.1, NM_001385288.1, NM_001385290.1 and 1 more transcripts); short protein forms A401T, A402T.
Identifiers: ClinVar variation 528525 (VCV000528525.16), dbSNP rs778615486, ClinGen allele CA2923407.